The following is an entry in ClinVar:

ClinVar aggregate classification (germline): Uncertain significance (1 of 4 stars; one submission).

Conditions:
Myoclonic dystonia 11 (DYT11). Also called: DYT-SGCE; Myoclonic dystonia; Dystonia 11; Dystonia, alcohol responsive; Hereditary essential myoclonus; SGCE Myoclonus-Dystonia. Identifiers: Orphanet 36899, MedGen C1834570, MONDO:0008044, OMIM 159900.

Allele frequency attached by ClinVar (database versions not stated): gnomAD exomes below 0.00001; ExAC 0.00001.
gnomAD v4.1: 2 of 1,611,010 alleles (0.00012%); highest among the groups gnomAD compares: South Asian, 0.0022%; no homozygotes.

Submission:

Labcorp Genetics (formerly Invitae), Labcorp
Classification: Uncertain significance for Myoclonic dystonia 11. Last evaluated: 2022-12-12. Review status: criteria provided, single submitter. Criteria: Invitae Variant Classification Sherloc (09022015). Collection method: clinical testing. Allele origin: germline.
Comment: This variant has not been reported in the literature in individuals affected with SGCE-related conditions. In summary, the available evidence is currently insufficient to determine the role of this variant in disease. Therefore, it has been classified as a Variant of Uncertain Significance. Advanced modeling of protein sequence and biophysical properties (such as structural, functional, and spatial information, amino acid conservation, physicochemical variation, residue mobility, and thermodynamic stability) performed at Invitae indicates that this missense variant is not expected to disrupt SGCE protein function. This variant is present in population databases (rs778890137, gnomAD 0.007%). This sequence change replaces leucine, which is neutral and non-polar, with phenylalanine, which is neutral and non-polar, at codon 57 of the SGCE protein (p.Leu57Phe).

NM_003919.3(SGCE):c.169C>T (p.Leu57Phe)

Genes: CASD1 (CAS1 domain sialic acid O acetyltransferase 1; plus strand), SGCE (sarcoglycan epsilon; minus strand). Cytogenetic location: 7q21.3.
Variant type: single nucleotide variant.
Coding change: c.169C>T on transcript NM_003919.3 (MANE Select); coding-DNA position 169, C replaced by T.
Protein change: p.Leu57Phe; replaces leucine 57 with phenylalanine.
Molecular consequence: missense variant. On other transcripts: 5 prime UTR variant (2), intron variant (2).
Genome position (GRCh38, 1-based): chr7:94,629,782, G>A on the plus strand (C>T on the coding strand, the complement: SGCE is on the minus strand). VCF-style: chr7-94629782-G-A. GRCh37 (hg19) VCF-style: chr7-94259094-G-A.
Other names: c.169C>T, p.Leu57Phe (NM_001099400.2, NM_001099401.2, NM_001346717.2); c.277C>T, p.Leu93Phe (NM_001346713.2, NM_001346715.2); c.82C>T, p.Leu28Phe (NM_001346719.2, NM_001362807.2); c.-105C>T (NM_001346720.2, NM_001362808.2); c.110-1423C>T (NM_001362809.2, NM_001301139.2); short protein forms L93F, L28F, L57F.
Identifiers: ClinVar variation 1972895 (VCV001972895.5), dbSNP rs778890137, ClinGen allele CA4348877.